The following is an entry in ClinVar:

ClinVar aggregate classification (germline): Uncertain significance (1 of 4 stars; one submission).

Submission:

Ambry Genetics
Classification: Uncertain significance. Last evaluated: 2021-08-15. Review status: criteria provided, single submitter. Criteria: Ambry Variant Classification Scheme 2023. Collection method: clinical testing. Allele origin: germline.
Comment: The p.M1441I variant (also known as c.4323G>C), located in coding exon 4 of the ALPK2 gene, results from a G to C substitution at nucleotide position 4323. The methionine at codon 1441 is replaced by isoleucine, an amino acid with highly similar properties. This amino acid position is conserved. In addition, this alteration is predicted to be tolerated by in silico analysis. Since supporting evidence is limited at this time, the clinical significance of this alteration remains unclear.

NM_052947.4(ALPK2):c.4323G>C (p.Met1441Ile)

Genes: ALPK2 (alpha kinase 2; minus strand), LOC126862764 (BRD4-independent group 4 enhancer GRCh37_chr18:56202574-56203773; plus strand). Cytogenetic location: 18q21.31.
Variant type: single nucleotide variant.
Coding change: c.4323G>C on transcript NM_052947.4 (MANE Select); coding-DNA position 4323, G replaced by C.
Protein change: p.Met1441Ile; replaces methionine 1441 with isoleucine.
Molecular consequence: missense variant.
Genome position (GRCh38, 1-based): chr18:58,535,864, C>G on the plus strand (G>C on the coding strand, the complement: ALPK2 is on the minus strand). VCF-style: chr18-58535864-C-G. GRCh37 (hg19) VCF-style: chr18-56203096-C-G.
Other names: short protein forms M1441I.
Identifiers: ClinVar variation 1739719 (VCV001739719.2), dbSNP rs767137063, ClinGen allele CA402563179.